The following is an entry in ClinVar:

NM_006648.4(WNK2):c.2260C>T (p.Pro754Ser)

Gene: WNK2 (WNK lysine deficient protein kinase 2; plus strand). Cytogenetic location: 9q22.31.
Variant type: single nucleotide variant.
Coding change: c.2260C>T on transcript NM_006648.4 (MANE Select); coding-DNA position 2260, C replaced by T.
Protein change: p.Pro754Ser; replaces proline 754 with serine.
Molecular consequence: missense variant.
Genome position (GRCh38, 1-based): chr9:93,257,017, C>T. VCF-style: chr9-93257017-C-T. GRCh37 (hg19) VCF-style: chr9-96019299-C-T.
Other names: c.2260C>T, p.Pro754Ser (NM_001282394.3); short protein forms P754S.
Identifiers: ClinVar variation 4201756 (VCV004201756.1).

ClinVar aggregate classification (germline): Uncertain significance (1 of 4 stars; one submission).

gnomAD v4.1: 1 of 1,603,070 alleles (0.000062%); highest among the groups gnomAD compares: South Asian, 0.0011%; no homozygotes.

Submission:

Ambry Genetics
Classification: Uncertain significance. Last evaluated: 2025-08-14. Review status: criteria provided, single submitter. Criteria: Ambry Variant Classification Scheme 2023. Collection method: clinical testing. Allele origin: germline.
Comment: The p.P754S variant (also known as c.2260C>T), located in coding exon 10 of the WNK2 gene, results from a C to T substitution at nucleotide position 2260. The proline at codon 754 is replaced by serine, an amino acid with similar properties. This amino acid position is conserved. In addition, this alteration is predicted to be tolerated by in silico analysis. Based on the available evidence, the clinical significance of this variant remains unclear.